The following is an entry in ClinVar:

NM_001291303.3(FAT4):c.11843C>T (p.Pro3948Leu)

Gene: FAT4 (FAT atypical cadherin 4; plus strand). Cytogenetic location: 4q28.1.
Variant type: single nucleotide variant.
Coding change: c.11843C>T on transcript NM_001291303.3 (MANE Select); coding-DNA position 11843, C replaced by T.
Protein change: p.Pro3948Leu; replaces proline 3948 with leucine.
Molecular consequence: missense variant.
Genome position (GRCh38, 1-based): chr4:125,463,605, C>T. VCF-style: chr4-125463605-C-T. GRCh37 (hg19) VCF-style: chr4-126384760-C-T.
Other names: c.11837C>T, p.Pro3946Leu (NM_024582.6); c.11843C>T, p.Pro3948Leu (NM_001291285.3); short protein forms P3946L, P3948L.
Identifiers: ClinVar variation 1377499 (VCV001377499.4), dbSNP rs1165953776, ClinGen allele CA358125308.

ClinVar aggregate classification (germline): Uncertain significance (1 of 4 stars; one submission).

Allele frequency attached by ClinVar (database versions not stated): gnomAD exomes below 0.00001 and 0.00001; TOPMed below 0.00001.
gnomAD v4.1: 21 of 1,600,824 alleles (0.0013%); highest among the groups gnomAD compares: Non-Finnish European, 0.0016%; no homozygotes.

Submission:

Labcorp Genetics (formerly Invitae), Labcorp
Classification: Uncertain significance. Last evaluated: 2021-09-17. Review status: criteria provided, single submitter. Criteria: Invitae Variant Classification Sherloc (09022015). Collection method: clinical testing. Allele origin: germline.
Comment: In summary, the available evidence is currently insufficient to determine the role of this variant in disease. Therefore, it has been classified as a Variant of Uncertain Significance. Advanced modeling of protein sequence and biophysical properties (such as structural, functional, and spatial information, amino acid conservation, physicochemical variation, residue mobility, and thermodynamic stability) performed at Invitae indicates that this missense variant is expected to disrupt FAT4 protein function. This variant has not been reported in the literature in individuals affected with FAT4-related conditions. This variant is not present in population databases (ExAC no frequency). This sequence change replaces proline with leucine at codon 3946 of the FAT4 protein (p.Pro3946Leu). The proline residue is highly conserved and there is a moderate physicochemical difference between proline and leucine.